The following is an entry in ClinVar:

ClinVar aggregate classification (germline): Likely benign. Review status: criteria provided, multiple submitters, no conflicts (2 of 4 stars). 2 submissions from 2 submitters: Likely benign (2). Last evaluated 2024-02-22.

Conditions:
Fabry disease. Also called: Fabry's disease; ALPHA-GALACTOSIDASE A DEFICIENCY; ANDERSON-FABRY DISEASE; CERAMIDE TRIHEXOSIDASE DEFICIENCY; GLA DEFICIENCY; HEREDITARY DYSTOPIC LIPIDOSIS. Identifiers: Orphanet 324, MedGen C0002986, MONDO:0010526, OMIM 301500, HP:0001071. Disease mechanism: Fabry disease is due to inactivating mutations in the X-linked GLA gene resulting in deficiency of the enzyme Alpha Galactosidase-A., loss of function.

Submissions (2):

All of Us Research Program, National Institutes of Health
Classification: Likely benign for Fabry disease. Last evaluated: 2024-02-22. Review status: criteria provided, single submitter. Criteria: ACMG Guidelines, 2015. Collection method: clinical testing. Allele origin: germline. Inheritance: X-linked inheritance. Observed: 1 variant allele, 1 heterozygote.
Comment: This study involves interpretation of variants in research participants for the purpose of population health screening. Participant phenotype was not available at the time of variant classification. Additional details can be found in publication PMID: 35346344, PMCID: PMC8962531

Labcorp Genetics (formerly Invitae), Labcorp
Classification: Likely benign for Fabry disease. Last evaluated: 2021-07-18. Review status: criteria provided, single submitter. Criteria: Invitae Variant Classification Sherloc (09022015). Collection method: clinical testing. Allele origin: germline.

NM_000169.3(GLA):c.1017G>A (p.Val339=)

Genes: GLA (galactosidase alpha; minus strand), RPL36A-HNRNPH2 (RPL36A-HNRNPH2 readthrough; plus strand). Cytogenetic location: Xq22.1.
Variant type: single nucleotide variant.
Coding change: c.1017G>A on transcript NM_000169.3 (MANE Select); coding-DNA position 1017, G replaced by A.
Protein change: p.Val339=; no amino-acid change (valine 339 retained).
Molecular consequence: synonymous variant. On other transcripts: intron variant (2), non-coding transcript variant (3).
Genome position (GRCh38, 1-based): chrX:101,398,082, C>T on the plus strand (G>A on the coding strand, the complement: GLA is on the minus strand). VCF-style: chrX-101398082-C-T. GRCh37 (hg19) VCF-style: chrX-100653070-C-T.
Other names: c.300+2625C>T (NM_001199973.2); c.177+6260C>T (NM_001199974.2); c.1140G>A, p.Val380= (NM_001406747.1).
Identifiers: ClinVar variation 1632412 (VCV001632412.16), dbSNP rs869312212, ClinGen allele CA352758.